The following is an entry in ClinVar:

NM_001254.4(CDC6):c.839T>C (p.Val280Ala)

Gene: CDC6 (cell division cycle 6; plus strand). Cytogenetic location: 17q21.2.
Variant type: single nucleotide variant.
Coding change: c.839T>C on transcript NM_001254.4 (MANE Select); coding-DNA position 839, T replaced by C.
Protein change: p.Val280Ala; replaces valine 280 with alanine.
Molecular consequence: missense variant.
Genome position (GRCh38, 1-based): chr17:40,293,952, T>C. VCF-style: chr17-40293952-T-C. GRCh37 (hg19) VCF-style: chr17-38450204-T-C.
Other names: short protein forms V280A.
Identifiers: ClinVar variation 4223442 (VCV004223442.2).

ClinVar aggregate classification (germline): Uncertain significance. Review status: criteria provided, multiple submitters, no conflicts (2 of 4 stars). 2 submissions from 2 submitters: Uncertain significance (2). Last evaluated 2025-08-11.

gnomAD v4.1: 32 of 1,609,904 alleles (0.002%); highest among the groups gnomAD compares: African/African-American, 0.039%; no homozygotes.

Submissions (2):

Labcorp Genetics (formerly Invitae), Labcorp
Classification: Uncertain significance. Last evaluated: 2025-08-11. Review status: criteria provided, single submitter. Criteria: Invitae Variant Classification Sherloc (09022015). Collection method: clinical testing. Allele origin: germline.
Comment: This sequence change replaces valine, which is neutral and non-polar, with alanine, which is neutral and non-polar, at codon 280 of the CDC6 protein (p.Val280Ala). This variant is present in population databases (rs147432601, gnomAD 0.04%). This variant has not been reported in the literature in individuals affected with CDC6-related conditions. An algorithm developed to predict the effect of missense changes on protein structure and function (PolyPhen-2) suggests that this variant is likely to be disruptive. In summary, the available evidence is currently insufficient to determine the role of this variant in disease. Therefore, it has been classified as a Variant of Uncertain Significance.

Ambry Genetics
Classification: Uncertain significance. Last evaluated: 2025-07-14. Review status: criteria provided, single submitter. Criteria: Ambry Variant Classification Scheme 2023. Collection method: clinical testing. Allele origin: germline.